The following is an entry in ClinVar:

NM_144999.4(LRRC45):c.1754C>T (p.Ala585Val)

Gene: LRRC45 (leucine rich repeat containing 45; plus strand). Cytogenetic location: 17q25.3.
Variant type: single nucleotide variant.
Coding change: c.1754C>T on transcript NM_144999.4 (MANE Select); coding-DNA position 1754, C replaced by T.
Protein change: p.Ala585Val; replaces alanine 585 with valine.
Molecular consequence: missense variant.
Genome position (GRCh38, 1-based): chr17:82,030,404, C>T. VCF-style: chr17-82030404-C-T. GRCh37 (hg19) VCF-style: chr17-79988280-C-T.
Other names: short protein forms A585V.
Identifiers: ClinVar variation 4998419 (VCV004998419.1).

ClinVar aggregate classification (germline): Uncertain significance (1 of 4 stars; one submission).

Conditions:
LRRC45-related disorder. Also called: LRRC45-related condition.

Submission:

PreventionGenetics, part of Exact Sciences
Classification: Uncertain significance for LRRC45-related condition. Last evaluated: 2025-03-23. Review status: criteria provided, single submitter. Criteria: ACMG Guidelines, 2015. Collection method: clinical testing. Allele origin: germline.
Comment: The LRRC45 c.1754C>T variant is predicted to result in the amino acid substitution p.Ala585Val. To our knowledge, this variant has not been reported in the literature or in a large population database (gnomAD), indicating this variant is rare. At this time, the clinical significance of this variant is uncertain due to the absence of conclusive functional and genetic evidence.